The following is an entry in ClinVar:

NM_001110556.2(FLNA):c.6437G>A (p.Arg2146His)

Gene: FLNA (filamin A; minus strand). Cytogenetic location: Xq28.
Variant type: single nucleotide variant.
Coding change: c.6437G>A on transcript NM_001110556.2 (MANE Select); coding-DNA position 6437, G replaced by A.
Protein change: p.Arg2146His; replaces arginine 2146 with histidine.
Molecular consequence: missense variant.
Genome position (GRCh38, 1-based): chrX:154,352,618, C>T on the plus strand (G>A on the coding strand, the complement: FLNA is on the minus strand). VCF-style: chrX-154352618-C-T. GRCh37 (hg19) VCF-style: chrX-153580986-C-T.
Other names: c.6413G>A, p.Arg2138His (NM_001456.4); c.6413G>A (NM_001456.3); short protein forms R2138H, R2146H.
Identifiers: ClinVar variation 804809 (VCV000804809.2), dbSNP rs1557176006, ClinGen allele CA415192252.
Genomic context (GRCh38, chrX:154,352,618, plus strand): 5'-ATTTTCAGGCTGAGGTCACAATGACTACCAACGTTGGCCACTGAAGGAGCCCGACGCCTG[C>T]GGGTGATGCTCTCTTTCACCCGGCCCTCGCCTGTCACCTTCACAGAGAAGGGGCTGCCTG-3'
Protein context (NP_001104026.1, residues 2136-2156): GEGRVKESIT[Arg2146His]RRRAPSVANV

ClinVar aggregate classification (germline): Uncertain significance. Review status: criteria provided, multiple submitters, no conflicts (2 of 4 stars). 2 submissions from 2 submitters: Uncertain significance (2). Last evaluated 2026-01-10.

Conditions:
Familial thoracic aortic aneurysm and aortic dissection (TAAD). Also called: Thoracic aortic aneurysms and dissections. Identifiers: Orphanet 91387, MedGen C4707243, MONDO:0019625.

Allele frequency attached by ClinVar (database versions not stated): gnomAD exomes 0.00001.

Submissions (2):

Ambry Genetics
Classification: Uncertain significance for Familial thoracic aortic aneurysm and aortic dissection. Last evaluated: 2026-01-10. Review status: criteria provided, single submitter. Criteria: Ambry Variant Classification Scheme 2023. Collection method: clinical testing. Allele origin: germline.
Comment: The p.R2138H variant (also known as c.6413G>A), located in coding exon 38 of the FLNA gene, results from a G to A substitution at nucleotide position 6413. The arginine at codon 2138 is replaced by histidine, an amino acid with highly similar properties. This amino acid position is conserved. In addition, this alteration is predicted to be deleterious by in silico analysis. Based on the available evidence, the clinical significance of this variant remains unclear.

Athena Diagnostics
Classification: Uncertain significance. Last evaluated: 2019-06-25. Review status: criteria provided, single submitter. Criteria: Athena Diagnostics Criteria. Collection method: clinical testing. Allele origin: germline.